The following is an entry in ClinVar:

NM_144997.7(FLCN):c.1186C>T (p.Pro396Ser)

Gene: FLCN (folliculin; minus strand). Cytogenetic location: 17p11.2.
Variant type: single nucleotide variant.
Coding change: c.1186C>T on transcript NM_144997.7 (MANE Select); coding-DNA position 1186, C replaced by T.
Protein change: p.Pro396Ser; replaces proline 396 with serine.
Molecular consequence: missense variant.
Genome position (GRCh38, 1-based): chr17:17,216,494, G>A on the plus strand (C>T on the coding strand, the complement: FLCN is on the minus strand). VCF-style: chr17-17216494-G-A. GRCh37 (hg19) VCF-style: chr17-17119808-G-A.
Other names: c.1240C>T, p.Pro414Ser (NM_001353229.2); c.1186C>T, p.Pro396Ser (NM_001353230.2, NM_001353231.2); short protein forms P396S, P414S.
Identifiers: ClinVar variation 4740242 (VCV004740242.1).

ClinVar aggregate classification (germline): Uncertain significance (1 of 4 stars; one submission).

Conditions:
Birt-Hogg-Dube syndrome. Also called: Birt Hogg Dubé syndrome. Identifiers: Orphanet 122, MedGen C0346010, MONDO:0800444.

Submission:

Labcorp Genetics (formerly Invitae), Labcorp
Classification: Uncertain significance for Birt-Hogg-Dube syndrome. Last evaluated: 2025-06-09. Review status: criteria provided, single submitter. Criteria: Invitae Variant Classification Sherloc (09022015). Collection method: clinical testing. Allele origin: germline.
Comment: This sequence change replaces proline, which is neutral and non-polar, with serine, which is neutral and polar, at codon 396 of the FLCN protein (p.Pro396Ser). This variant is not present in population databases (gnomAD no frequency). This variant has not been reported in the literature in individuals affected with FLCN-related conditions. Invitae Evidence Modeling of protein sequence and biophysical properties (such as structural, functional, and spatial information, amino acid conservation, physicochemical variation, residue mobility, and thermodynamic stability) indicates that this missense variant is expected to disrupt FLCN protein function with a positive predictive value of 80%. In summary, the available evidence is currently insufficient to determine the role of this variant in disease. Therefore, it has been classified as a Variant of Uncertain Significance.